The following is an entry in ClinVar:

ClinVar aggregate classification (germline): Benign (1 of 4 stars; one submission).

Allele frequency attached by ClinVar (database versions not stated): 1000 Genomes Project 30x 0.41099; 1000 Genomes Project 0.41434; TOPMed 0.43098; gnomAD 0.45303 and 0.45477.
gnomAD v4.1: 69,284 of 152,118 alleles (46%); highest among the groups gnomAD compares: Non-Finnish European, 53%; 17,280 homozygotes.

Submission:

GeneDx
Classification: Benign. Last evaluated: 2018-06-14. Review status: criteria provided, single submitter. Criteria: GeneDx Variant Classification (06012015). Collection method: clinical testing. Allele origin: germline. Affected: yes.
Comment: This variant is considered likely benign or benign based on one or more of the following criteria: it is a conservative change, it occurs at a poorly conserved position in the protein, it is predicted to be benign by multiple in silico algorithms, and/or has population frequency not consistent with disease.

NM_080916.3(DGUOK):c.707+206G>A

Gene: DGUOK (deoxyguanosine kinase; plus strand). Cytogenetic location: 2p13.1.
Variant type: single nucleotide variant.
Coding change: c.707+206G>A on transcript NM_080916.3 (MANE Select); 206 bases into the intron after coding-DNA position 707, G replaced by A.
Molecular consequence: intron variant.
Genome position (GRCh38, 1-based): chr2:73,957,446, G>A. VCF-style: chr2-73957446-G-A. GRCh37 (hg19) VCF-style: chr2-74184573-G-A.
Other names: c.416+206G>A (NM_001318861.2, NM_001318860.2); c.398+206G>A (NM_001318862.2, NM_001318863.2); c.444-700G>A (NM_080918.3); c.426-700G>A (NM_001318859.2).
Identifiers: ClinVar variation 679280 (VCV000679280.1), dbSNP rs2002711, ClinGen allele CA11118417.